The following is an entry in ClinVar:

NM_003867.4(FGF17):c.597C>T (p.Gly199=)

Gene: FGF17 (fibroblast growth factor 17; plus strand). Cytogenetic location: 8p21.3.
Variant type: single nucleotide variant.
Coding change: c.597C>T on transcript NM_003867.4 (MANE Select); coding-DNA position 597, C replaced by T.
Protein change: p.Gly199=; no amino-acid change (glycine 199 retained).
Molecular consequence: synonymous variant.
Genome position (GRCh38, 1-based): chr8:22,048,195, C>T. VCF-style: chr8-22048195-C-T. GRCh37 (hg19) VCF-style: chr8-21905706-C-T.
Other names: c.564C>T, p.Gly188= (NM_001304478.1).
Identifiers: ClinVar variation 770945 (VCV000770945.40), dbSNP rs147413881, ClinGen allele CA4659938.

ClinVar aggregate classification (germline): Benign/Likely benign. Review status: criteria provided, multiple submitters, no conflicts (2 of 4 stars). 6 submissions from 6 submitters: Benign (2); Likely benign (4). Last evaluated 2025-10-08.

Allele frequency attached by ClinVar (database versions not stated): 1000 Genomes Project 30x 0.00172; 1000 Genomes Project 0.00180; ExAC 0.00284; gnomAD exomes 0.00308 and 0.00503; gnomAD 0.00323 and 0.00334; ESP Exome Variant Server 0.00377; TOPMed 0.00385.
gnomAD v4.1: 7,762 of 1,612,152 alleles (0.48%); highest among the groups gnomAD compares: Admixed American, 0.62%; 34 homozygotes.

Submissions (6):

Labcorp Genetics (formerly Invitae), Labcorp
Classification: Benign. Last evaluated: 2025-10-08. Review status: criteria provided, single submitter. Criteria: Invitae Variant Classification Sherloc (09022015). Collection method: clinical testing. Allele origin: germline.

CeGaT Center for Human Genetics Tuebingen
Classification: Likely benign. Last evaluated: 2024-12-01. Review status: criteria provided, single submitter. Criteria: CeGaT Center For Human Genetics Tuebingen Variant Classification Criteria Version 2. Collection method: clinical testing. Allele origin: germline. Affected: yes. Observed: 2 variant alleles.
Comment: FGF17: BP4, BP7, BS2

Blueprint Genetics
Classification: Likely benign. Last evaluated: 2024-11-25. Review status: criteria provided, single submitter. Criteria: ACMG Guidelines, 2015. Collection method: clinical testing. Allele origin: germline.

GeneDx
Classification: Likely benign. Last evaluated: 2021-05-15. Review status: criteria provided, single submitter. Criteria: GeneDx Variant Classification Process June 2021. Collection method: clinical testing. Allele origin: germline. Affected: yes.
Comment: This variant is associated with the following publications: (PMID: 23643382)

Genetic Services Laboratory, University of Chicago
Classification: Benign. Last evaluated: 2020-01-17. Review status: criteria provided, single submitter. Criteria: ACMG Guidelines, 2015. Collection method: clinical testing. Allele origin: germline. Affected: no.

Breakthrough Genomics
Classification: Likely benign. Review status: criteria provided, single submitter. Criteria: ACMG Guidelines, 2015. Collection method: not provided. Allele origin: germline. Inheritance: Autosomal dominant inheritance. Affected: yes.